The following is an entry in ClinVar:

NM_004006.3(DMD):c.3163-18T>C

Gene: DMD (dystrophin; minus strand). Cytogenetic location: Xp21.1.
Variant type: single nucleotide variant.
Coding change: c.3163-18T>C on transcript NM_004006.3 (MANE Select); 18 bases into the intron before coding-DNA position 3163, T replaced by C.
Molecular consequence: intron variant.
Genome position (GRCh38, 1-based): chrX:32,464,717, A>G on the plus strand (T>C on the coding strand, the complement: DMD is on the minus strand). VCF-style: chrX-32464717-A-G. GRCh37 (hg19) VCF-style: chrX-32482834-A-G.
Other names: c.3139-18T>C (NM_000109.4); c.3151-18T>C (NM_004009.3); c.2794-18T>C (NM_004010.3).
Identifiers: ClinVar variation 94577 (VCV000094577.20), dbSNP rs72468662, ClinGen allele CA222372.
Genomic context (GRCh38, chrX:32,464,717, plus strand): 5'-CATCAACTTCAGCCATCCATTTCTTCAGGGTTTGTATGTGATTCTGAAACGAGACCCGTT[A>G]TAAGGCATTACTGGTGTGCTGATTACTTTTAACACAATTCATCATTGTGTTATGTCTAAA-3'

ClinVar aggregate classification (germline): Benign/Likely benign. Review status: criteria provided, multiple submitters, no conflicts (2 of 4 stars). 9 submissions from 9 submitters: Benign (5); Likely benign (2). 2 of the submissions do not count toward it. Last evaluated 2026-02-01.

Conditions:
Becker muscular dystrophy (BMD). Also called: MUSCULAR DYSTROPHY, PSEUDOHYPERTROPHIC PROGRESSIVE, BECKER TYPE; Becker Muscular Dystrophy (BMD). Identifiers: Orphanet 98895, MedGen C0917713, MONDO:0010311, OMIM 300376.
Duchenne muscular dystrophy (DMD). Also called: Duchenne Muscular Dystrophy (DMD); MUSCULAR DYSTROPHY, PSEUDOHYPERTROPHIC PROGRESSIVE, DUCHENNE TYPE. Identifiers: Orphanet 98896, MedGen C0013264, MONDO:0010679, OMIM 310200.
Dilated cardiomyopathy 3B (CMD3B). Also called: CMD3B: DMD-Related Dilated Cardiomyopathy; CARDIOMYOPATHY, DILATED, X-LINKED; DMD-Associated Dilated Cardiomyopathy. Identifiers: Orphanet 154, MedGen C3668940, MONDO:0010542, OMIM 302045.

Allele frequency attached by ClinVar (database versions not stated): gnomAD 0.00036 and 0.00037; TOPMed 0.00040; gnomAD exomes 0.00054 and 0.00068; ESP Exome Variant Server 0.00057; ExAC 0.00083; 1000 Genomes Project 30x 0.00021; 1000 Genomes Project 0.00026.
gnomAD v4.1: 560 of 1,067,085 alleles (0.052%); highest among the groups gnomAD compares: Middle Eastern, 0.84%; 3 homozygotes.

Submissions (9):

Labcorp Genetics (formerly Invitae), Labcorp
Classification: Benign for Duchenne muscular dystrophy. Last evaluated: 2026-02-01. Review status: criteria provided, single submitter. Criteria: Invitae Variant Classification Sherloc (09022015). Collection method: clinical testing. Allele origin: germline.

Blueprint Genetics
Classification: Likely benign. Last evaluated: 2024-11-11. Review status: criteria provided, single submitter. Criteria: ACMG Guidelines, 2015. Collection method: clinical testing. Allele origin: germline.

ARUP Laboratories, Molecular Genetics and Genomics, ARUP Laboratories
Classification: Benign. Last evaluated: 2024-07-11. Review status: criteria provided, single submitter. Criteria: ARUP Molecular Germline Variant Investigation Process 2024. Collection method: clinical testing. Allele origin: germline.

Fulgent Genetics
Classification: Likely benign for Becker muscular dystrophy; Dilated cardiomyopathy 3B; Duchenne muscular dystrophy. Last evaluated: 2022-04-14. Review status: criteria provided, single submitter. Criteria: ACMG Guidelines, 2015. Collection method: clinical testing. Allele origin: unknown.

Women's Health and Genetics/Laboratory Corporation of America, LabCorp
Classification: Benign. Last evaluated: 2019-04-02. Review status: criteria provided, single submitter. Criteria: LabCorp Variant Classification Summary - May 2015. Collection method: clinical testing. Allele origin: germline.
Comment: Variant summary: DMD c.3163-18T>C alters a non-conserved nucleotide located close to a canonical splice site and therefore could affect mRNA splicing, leading to a significantly altered protein sequence. 5/5 computational tools predict no significant impact on normal splicing. However, these predictions have yet to be confirmed by functional studies. The variant allele was found at a frequency of 0.0007 in 199632 control chromosomes, predominantly at a frequency of 0.0021 within the South Asian subpopulation in the gnomAD database, including 1 homozygote and 60 hemizygotes. The observed variant frequency is significantly higher than expected for a pathogenic variant in DMD causing Dystrophinopathies phenotype, strongly suggesting that the variant is a benign polymorphism found primarily in populations of South Asian origin. c.3163-18T>C has been reported in the literature as a polymorphism (Flanigan_2009). No clinical diagnostic laboratories have submitted clinical-significance assessments for this variant to ClinVar after 2014. Based on the evidence outlined above, the variant was classified as benign.

GeneDx
Classification: Benign. Last evaluated: 2015-03-03. Review status: criteria provided, single submitter. Criteria: GeneDx Variant Classification Process June 2021. Collection method: clinical testing. Allele origin: germline. Affected: yes.

Breakthrough Genomics
Classification: Benign. Review status: criteria provided, single submitter. Criteria: ACMG Guidelines, 2015. Collection method: not provided. Allele origin: germline. Inheritance: X-linked inheritance. Affected: yes.

Diagnostic Laboratory, Department of Genetics, University Medical Center Groningen
Classification: Likely benign. Review status: no assertion criteria provided. Collection method: clinical testing. Allele origin: germline. Affected: yes. Study: VKGL Data-share Consensus. Not counted in ClinVar's aggregate classification.

Genome Diagnostics Laboratory, University Medical Center Utrecht
Classification: Likely benign. Review status: no assertion criteria provided. Collection method: clinical testing. Allele origin: germline. Affected: yes. Study: VKGL Data-share Consensus. Not counted in ClinVar's aggregate classification.

Literature cited by the submitters: PubMed 19937601 (cited by Women's Health and Genetics/Laboratory Corporation of America, LabCorp).